The following is an entry in ClinVar:

ClinVar aggregate classification (germline): Conflicting classifications of pathogenicity. Review status: criteria provided, conflicting classifications (1 of 4 stars). 12 submissions from 12 submitters: Uncertain significance (2); Benign (2); Likely benign (8). Last evaluated 2026-01-20.

Conditions:
PALB2-related cancer predisposition. Identifiers: MedGen CN377761, MONDO:0700272.
Breast-ovarian cancer, familial, susceptibility to, 5 (BROVCA5). Identifiers: MedGen C5830615, MONDO:0957530, OMIM 620442.
Hereditary cancer-predisposing syndrome. Also called: Hereditary Cancer Syndrome; Tumor predisposition; Hereditary neoplastic syndrome; Neoplastic Syndromes, Hereditary. Identifiers: Orphanet 140162, MedGen C0027672, MeSH D009386, MONDO:0015356.
Familial cancer of breast. Also called: Hereditary breast cancer; BREAST CANCER, FAMILIAL; hereditary breast carcinoma. Identifiers: Orphanet 227535, MedGen C0346153, MONDO:0016419, OMIM 114480. Disease mechanism: loss of function.

Submissions (12):

Labcorp Genetics (formerly Invitae), Labcorp
Classification: Benign for Familial cancer of breast. Last evaluated: 2026-01-20. Review status: criteria provided, single submitter. Criteria: Invitae Variant Classification Sherloc (09022015). Collection method: clinical testing. Allele origin: germline.

Dasa
Classification: Likely benign for Breast-ovarian cancer, familial, susceptibility to, 5. Last evaluated: 2025-11-15. Review status: criteria provided, single submitter. Criteria: DASA Assertion Criteria. Collection method: clinical testing. Allele origin: germline.
Comment: NM_024675.4(PALB2):c.212-10del is a splice-region variant. Computational prediction algorithms are consistent with a benign effect. Therefore, based on the currently available evidence, this variant is classified as likely benign.

Department of Pathology and Laboratory Medicine, Sinai Health System
Classification: Likely benign for PALB2-related cancer predisposition. Last evaluated: 2025-01-24. Review status: criteria provided, single submitter. Criteria: ACMG Guidelines, 2015. Collection method: clinical testing. Allele origin: germline.

Myriad Genetics, Inc.
Classification: Benign for Familial cancer of breast. Last evaluated: 2025-01-10. Review status: criteria provided, single submitter. Criteria: Myriad Autosomal Dominant, Autosomal Recessive and X-Linked Classification Criteria (2023). Collection method: clinical testing. Allele origin: unknown.
Comment: This variant is considered benign. This variant is intronic and is not expected to impact mRNA splicing. This variant is strongly associated with less severe personal and family histories of cancer, typical for individuals without pathogenic variants in this gene [PMID: 25085752].

Quest Diagnostics Nichols Institute San Juan Capistrano
Classification: Uncertain significance. Last evaluated: 2024-01-05. Review status: criteria provided, single submitter. Criteria: Quest Diagnostics criteria. Collection method: clinical testing. Allele origin: unknown.
Comment: The PALB2 c.212-10del variant has not been reported in individuals with PALB2-related conditions in the published literature. The frequency of this variant in the general population, 0.00057 (12/21208 chromosomes (Genome Aggregation Database)), is uninformative in the assessment of its pathogenicity. Analysis of this variant using software algorithms for the prediction of the effect of nucleotide changes on splicing yielded predictions that this variant does not affect PALB2 mRNA splicing. Based on the available information, we are unable to determine the clinical significance of this variant.

Institute for Biomarker Research, Medical Diagnostic Laboratories, L.L.C.
Classification: Likely benign for Hereditary cancer-predisposing syndrome. Last evaluated: 2022-12-20. Review status: criteria provided, single submitter. Criteria: ACMG Guidelines, 2015. Collection method: clinical testing. Allele origin: germline.

ARUP Laboratories, Molecular Genetics and Genomics, ARUP Laboratories
Classification: Likely benign. Last evaluated: 2022-01-04. Review status: criteria provided, single submitter. Criteria: ARUP Molecular Germline Variant Investigation Process 2021. Collection method: clinical testing. Allele origin: germline.

Sema4
Classification: Likely benign for Hereditary cancer-predisposing syndrome. Last evaluated: 2021-11-27. Review status: criteria provided, single submitter. Criteria: Sema4 Curation Guidelines. Collection method: curation. Allele origin: germline.

Genetic Services Laboratory, University of Chicago
Classification: Likely benign. Last evaluated: 2021-02-28. Review status: criteria provided, single submitter. Criteria: ACMG Guidelines, 2015. Collection method: clinical testing. Allele origin: germline. Affected: no.

GeneDx
Classification: Likely benign. Last evaluated: 2021-02-07. Review status: criteria provided, single submitter. Criteria: GeneDx Variant Classification Process June 2021. Collection method: clinical testing. Allele origin: germline. Affected: yes.

Women's Health and Genetics/Laboratory Corporation of America, LabCorp
Classification: Uncertain significance. Last evaluated: 2017-05-26. Review status: criteria provided, single submitter. Criteria: LabCorp Variant Classification Summary - May 2015. Collection method: clinical testing. Allele origin: germline.
Comment: Variant summary: The PALB2 c.212-10delT variant involves the alteration of a non-conserved intronic nucleotide. One in silico tool predicts a benign outcome for this variant. 5/5 splice prediction tools predict no significant impact on normal splicing and ESE finder predicts no alterations to ESE sites at the locus. However, these predictions have yet to be confirmed by functional studies. This variant was found in the large control database ExAC in 3 of 64868 control chromosomes from all ethnicities, but was predominantly observed in the African subpopulation at a frequency of 0.000315 (2/6352). This frequency is about 2 times the estimated maximal expected allele frequency of a pathogenic PALB2 variant (0.0001563), suggesting this may be a benign polymorphism found primarily in the populations of African origin. In addition, two clinical diagnostic laboratories have classified this variant as likely benign or benign. To our knowledge, the variant of interest has not been reported in affected individuals via publications, nor has it been evaluated for functional impact by in vivo/vitro studies. Because of the absence of clinical information and the lack of functional studies, the variant is classified as a variant of uncertain significance (VUS)-possibly benign until additional information becomes available.

Color Diagnostics, LLC DBA Color Health
Classification: Likely benign for Hereditary cancer-predisposing syndrome. Last evaluated: 2016-04-04. Review status: criteria provided, single submitter. Criteria: ACMG Guidelines, 2015. Collection method: clinical testing. Allele origin: germline.

Literature cited by the submitters: PubMed 25085752 (cited by Myriad Genetics, Inc.).

NM_024675.4(PALB2):c.212-10del

Gene: PALB2 (partner and localizer of BRCA2; minus strand). Cytogenetic location: 16p12.2.
Variant type: Deletion.
Coding change: c.212-10del on transcript NM_024675.4 (MANE Select); 10 bases into the intron before coding-DNA position 212, one base deleted (T; older notation c.212-10delT).
Molecular consequence: intron variant.
Genome position (GRCh38, 1-based): chr16:23,636,344, A deleted on the plus strand (T on the coding strand, the reverse complement: PALB2 is on the minus strand); the first of 7 consecutive A bases (chr16:23,636,344-23,636,350); deleting any one gives the same sequence. VCF-style (leftmost placement, unchanged base first): chr16-23636343-GA-G. GRCh37 (hg19) VCF-style: chr16-23647664-GA-G.
Other names: c.212-10delT (NM_024675.4, NM_024675.3).
Identifiers: ClinVar variation 215535 (VCV000215535.33), dbSNP rs766487430, ClinGen allele CA338994.